The following is an entry in ClinVar:

ClinVar aggregate classification (germline): Pathogenic (1 of 4 stars; one submission).

Submission:

Labcorp Genetics (formerly Invitae), Labcorp
Classification: Pathogenic. Last evaluated: 2021-02-15. Review status: criteria provided, single submitter. Criteria: Invitae Variant Classification Sherloc (09022015). Collection method: clinical testing. Allele origin: germline.
Comment: For these reasons, this variant has been classified as Pathogenic. This variant has been observed in individual(s) with clinical features of Warburg micro syndrome (PMID: 23420520). This variant is not present in population databases (ExAC no frequency). This sequence change creates a premature translational stop signal (p.Gly473Lysfs*23) in the RAB3GAP1 gene. It is expected to result in an absent or disrupted protein product. Loss-of-function variants in RAB3GAP1 are known to be pathogenic (PMID: 23420520).

Literature cited by the submitters: PubMed 23420520.

NM_012233.3(RAB3GAP1):c.1417_1423del (p.Gly473fs)

Gene: RAB3GAP1 (RAB3 GTPase activating protein catalytic subunit 1; plus strand). Cytogenetic location: 2q21.3.
Variant type: Deletion.
Coding change: c.1417_1423del on transcript NM_012233.3 (MANE Select); coding-DNA positions 1417 to 1423, 7 bases deleted (GGGTTGA; older notation c.1417_1423delGGGTTGA).
Protein change: p.Gly473fs; shifts the reading frame from glycine 473.
Molecular consequence: frameshift variant.
Genome position (GRCh38, 1-based): chr2:135,133,951-135,133,957, GGGTTGA deleted; deleting any 7 consecutive bases within chr2:135,133,949-135,133,957 gives the same sequence; the c. name uses the placement nearest the transcript's 3' end. VCF-style (leftmost placement, unchanged base first): chr2-135133948-GGAGGGTT-G. GRCh37 (hg19) VCF-style: chr2-135891518-GGAGGGTT-G.
Other names: c.1417_1423del, p.Gly473fs (NM_001172435.2); short protein forms G473fs.
Identifiers: ClinVar variation 1457485 (VCV001457485.8), dbSNP rs2104948584, ClinGen allele CA2573133187.
Genomic context (GRCh38, chr2:135,133,948, plus strand): 5'-CCATCTGACAGTTTAACATACAAACTGGCTTTGTGTCTCTGTATGATCAATTTTTACCAT[GGAGGGTT>G]GAAAGGAGTGGCACACCTCTGGCAGGAATTTGTTCTTGAAATGCGTTTCCGATGGGAAAA-3'